The following is an entry in ClinVar:

NM_001034853.2(RPGR):c.1216_1217del (p.Leu406fs)

Gene: RPGR (retinitis pigmentosa GTPase regulator; minus strand). Cytogenetic location: Xp11.4.
Variant type: Microsatellite.
Coding change: c.1216_1217del on transcript NM_001034853.2 (MANE Select); coding-DNA positions 1216 to 1217, 2 bases deleted (CT; older notation c.1216_1217delCT).
Protein change: p.Leu406fs; shifts the reading frame from leucine 406.
Molecular consequence: frameshift variant. On other transcripts: non-coding transcript variant (6), intron variant (2).
Genome position (GRCh38, 1-based): chrX:38,298,984-38,298,985, AG deleted on the plus strand (CT on the coding strand, the reverse complement: RPGR is on the minus strand); deleting any 2 consecutive bases within chrX:38,298,984-38,298,987 gives the same sequence; the c. name uses the placement nearest the transcript's 3' end. VCF-style (leftmost placement, unchanged base first): chrX-38298983-TAG-T. GRCh37 (hg19) VCF-style: chrX-38158236-TAG-T.
Other names: c.1213_1214del, p.Leu405fs (NM_001367245.1, NM_001367249.1, NM_001367250.1); c.1216_1217del, p.Leu406fs (NM_001367247.1, NM_000328.3); c.1246_1247del, p.Leu416fs (NM_001367248.1); c.1060-1533_1060-1532del (NM_001367251.1, NM_001367246.1); short protein forms L405fs, L406fs, L416fs.
Identifiers: ClinVar variation 975132 (VCV000975132.11), dbSNP rs2067448565, ClinGen allele CA2424848798.

ClinVar aggregate classification (germline): Pathogenic. Review status: criteria provided, multiple submitters, no conflicts (2 of 4 stars). 5 submissions from 5 submitters: Pathogenic (5). Last evaluated 2025-11-12.

Conditions:
RPGR-related disorder. Also called: RPGR-related condition.
Primary ciliary dyskinesia. Also called: Ciliary dyskinesia. Identifiers: Orphanet 244, MedGen C0008780, MONDO:0016575, HP:0012265.

Submissions (5):

Labcorp Genetics (formerly Invitae), Labcorp
Classification: Pathogenic for Primary ciliary dyskinesia. Last evaluated: 2025-11-12. Review status: criteria provided, single submitter. Criteria: Invitae Variant Classification Sherloc (09022015). Collection method: clinical testing. Allele origin: germline.
Comment: This sequence change creates a premature translational stop signal (p.Leu406Ilefs*46) in the RPGR gene. It is expected to result in an absent or disrupted protein product. Loss-of-function variants in RPGR are known to be pathogenic (PMID: 16055928, 16969763). This variant is not present in population databases (gnomAD no frequency). This premature translational stop signal has been observed in individual(s) with clinical features of RPGR-related conditions (PMID: 12657579, 34985506). This variant is also known as 1275_1276delCT (L406fsX451). For these reasons, this variant has been classified as Pathogenic.

GeneDx
Classification: Pathogenic. Last evaluated: 2022-05-13. Review status: criteria provided, single submitter. Criteria: GeneDx Variant Classification Process June 2021. Collection method: clinical testing. Allele origin: germline. Affected: yes.
Comment: Frameshift variant predicted to result in protein truncation or nonsense mediated decay in a gene for which loss of function is a known mechanism of disease; Not observed at significant frequency in large population cohorts (gnomAD); Identified in a family with clinical features and inheritance suggestive of X-linked retinitis pigmentosa in published literature; reported as 1275_1276delCT (Bader et al., 2003); This variant is associated with the following publications: (PMID: 12657579)

Blueprint Genetics
Classification: Pathogenic for RPGR-related disorders. Last evaluated: 2022-05-11. Review status: criteria provided, single submitter. Criteria: ACMG Guidelines, 2015. Collection method: clinical testing. Allele origin: germline. Affected: yes. Observed: 5 variant alleles.

Institute of Medical Genetics and Applied Genomics, University Hospital Tübingen
Classification: Pathogenic. Last evaluated: 2021-06-17. Review status: criteria provided, single submitter. Criteria: ACMG Guidelines, 2015. Collection method: clinical testing. Allele origin: germline. Inheritance: X-linked recessive inheritance. Affected: yes.

PreventionGenetics, part of Exact Sciences
Classification: Pathogenic. Last evaluated: 2017-08-02. Review status: criteria provided, single submitter. Criteria: ACMG Guidelines, 2015. Collection method: clinical testing. Allele origin: germline.

Literature cited by the submitters: PubMed 16055928 (cited by Labcorp Genetics (formerly Invitae), Labcorp); PubMed 16969763 (cited by Labcorp Genetics (formerly Invitae), Labcorp); PubMed 12657579 (cited by Labcorp Genetics (formerly Invitae), Labcorp); PubMed 34985506 (cited by Labcorp Genetics (formerly Invitae), Labcorp).